The following is an entry in ClinVar:

NM_004281.4(BAG3):c.75A>T (p.Gly25=)

Gene: BAG3 (BAG cochaperone 3; plus strand). Cytogenetic location: 10q26.11.
Variant type: single nucleotide variant.
Coding change: c.75A>T on transcript NM_004281.4 (MANE Select); coding-DNA position 75, A replaced by T.
Protein change: p.Gly25=; no amino-acid change (glycine 25 retained).
Molecular consequence: synonymous variant.
Genome position (GRCh38, 1-based): chr10:119,651,750, A>T. VCF-style: chr10-119651750-A-T. GRCh37 (hg19) VCF-style: chr10-121411262-A-T.
Identifiers: ClinVar variation 3771584 (VCV003771584.13).
Genomic context (GRCh38, chr10:119,651,750, plus strand): 5'-CCACTCGCCCATGATGCAGGTGGCGTCCGGCAACGGTGACCGCGACCCTTTGCCCCCCGG[A>T]TGGGAGATCAAGATCGACCCGCAGACCGGCTGGCCCTTCTTCGTGGACCACAACAGCCGC-3'
Protein context (NP_004272.2, residues 15-35): GNGDRDPLPP[Gly25=]WEIKIDPQTG

ClinVar aggregate classification (germline): Likely benign (1 of 4 stars; one submission).

gnomAD v4.1: 5 of 1,599,538 alleles (0.00031%); highest among the groups gnomAD compares: Non-Finnish European, 0.00026%; no homozygotes.

Submission:

CeGaT Center for Human Genetics Tuebingen
Classification: Likely benign. Last evaluated: 2025-01-01. Review status: criteria provided, single submitter. Criteria: CeGaT Center For Human Genetics Tuebingen Variant Classification Criteria Version 2. Collection method: clinical testing. Allele origin: germline. Affected: yes. Observed: 2 variant alleles.
Comment: BAG3: BP4, BP7